The following is an entry in ClinVar:

NM_004360.5(CDH1):c.1118C>T (p.Pro373Leu)

Gene: CDH1 (cadherin 1; plus strand). Cytogenetic location: 16q22.1.
Variant type: single nucleotide variant.
Coding change: c.1118C>T on transcript NM_004360.5 (MANE Select); coding-DNA position 1118, C replaced by T.
Protein change: p.Pro373Leu; replaces proline 373 with leucine.
Molecular consequence: missense variant. On other transcripts: 5 prime UTR variant (2).
Genome position (GRCh38, 1-based): chr16:68,812,244, C>T. VCF-style: chr16-68812244-C-T. GRCh37 (hg19) VCF-style: chr16-68846147-C-T.
Other names: NM_004360.5(CDH1):c.1118C>T; c.1118C>T, p.Pro373Leu (NM_001317184.2); c.-498C>T (NM_001317185.2); c.-702C>T (NM_001317186.2); short protein forms P373L.
Identifiers: ClinVar variation 142285 (VCV000142285.32), dbSNP rs587782359, ClinGen allele CA167953.
Genomic context (GRCh38, chr16:68,812,244, plus strand): 5'-AGGGGTTAAGCACAACAGCAACAGCTGTGATCACAGTCACTGACACCAACGATAATCCTC[C>T]GATCTTCAATCCCACCACGGTAATTCTATAACTCCTTAGAGGGTTTCCAAAGAAAGGTCT-3'
Protein context (NP_004351.1, residues 363-383): ITVTDTNDNP[Pro373Leu]IFNPTTYKGQ

ClinVar aggregate classification (germline): Likely benign. Review status: reviewed by expert panel (3 of 4 stars). 11 submissions from 11 submitters: Likely benign (1). 10 of the submissions do not count toward it. Last evaluated 2023-08-17.

Conditions:
CDH1-related diffuse gastric and lobular breast cancer syndrome. Also called: CDH1-related diffuse gastric and lobular breast cancer. Identifiers: MedGen CN311521, MONDO:0100488.
CDH1-related disorder. Also called: CDH1-related condition.
Hereditary cancer-predisposing syndrome. Also called: Tumor predisposition; Neoplastic Syndromes, Hereditary; Hereditary neoplastic syndrome; Hereditary Cancer Syndrome. Identifiers: Orphanet 140162, MedGen C0027672, MeSH D009386, MONDO:0015356.
Ovarian cancer. Also called: OVARIAN CANCER, SOMATIC. Identifiers: Orphanet 213500, MedGen C1140680, MONDO:0008170, OMIM 167000.
Hereditary diffuse gastric adenocarcinoma (HDGC). Also called: DIFFUSE GASTRIC AND LOBULAR BREAST CANCER SYNDROME. Identifiers: Orphanet 26106, MedGen C1708349, MONDO:0007648, OMIM 137215.

Allele frequency attached by ClinVar (database versions not stated): gnomAD 0.00002; gnomAD exomes 0.00003 and 0.00001; TOPMed 0.00003.
gnomAD v4.1: 24 of 1,614,008 alleles (0.0015%); highest among the groups gnomAD compares: East Asian, 0.02%; no homozygotes.

Submissions (11):

Clingen Gastric Cancer Variant Curation Expert Panel
Classification: Likely benign for CDH1-related diffuse gastric and lobular breast cancer syndrome. Last evaluated: 2023-08-17. Review status: reviewed by expert panel. Criteria: ClinGen CDH1 ACMG Specifications V3.1. Collection method: curation. Allele origin: germline. Inheritance: Autosomal dominant inheritance.
Comment: The c.1118C>T (p.Pro373Leu) variant has been observed in >10 individuals without a diagnosis of diffuse gastric cancer, signet ring tumor or lobular breast cancer and whose family histories do not suggest HDGC (BS2; internal laboratory contributors). In summary, the clinical significance of this variant is classified as likely benign based on BS2 alone. ACMG/AMP criteria applied, as specified by the CDH1 Variant Curation Expert Panel (Variant Interpretation Guidelines Version 3.1): BS2.

PreventionGenetics, part of Exact Sciences
Classification: Likely benign for CDH1-related condition. Last evaluated: 2026-04-21. Review status: criteria provided, single submitter. Criteria: ACMG Guidelines, 2015. Collection method: clinical testing. Allele origin: germline. Not counted in ClinVar's aggregate classification.
Comment: This variant is classified as likely benign based on ACMG/AMP sequence variant interpretation guidelines (Richards et al. 2015 PMID: 25741868, with internal and published modifications).

Labcorp Genetics (formerly Invitae), Labcorp
Classification: Likely benign for Hereditary diffuse gastric adenocarcinoma. Last evaluated: 2025-11-04. Review status: criteria provided, single submitter. Criteria: Invitae Variant Classification Sherloc (09022015). Collection method: clinical testing. Allele origin: germline. Not counted in ClinVar's aggregate classification.

Quest Diagnostics Nichols Institute San Juan Capistrano
Classification: Uncertain significance. Last evaluated: 2024-10-31. Review status: criteria provided, single submitter. Criteria: Quest Diagnostics criteria. Collection method: clinical testing. Allele origin: unknown. Not counted in ClinVar's aggregate classification.
Comment: The CDH1 c.1118C>T (p.Pro373Leu) variant has been reported in the published literature in individuals with diffuse gastric (PMID: 17126523 (2007), 17434710 (2007), 34537906 (2022)), breast (PMID: 28649662 (2017), 28580595 (2018)), pancreatic and lung (PMID: 28767289 (2017)), and ovarian cancers (PMID: 31815095 (2019)). Assessment of experimental evidence regarding the effect of this variant on protein function is inconclusive (PMID: 19268661 (2009), 27582386 (2016), 38414029 (2024)). The frequency of this variant in the general population, 0.0002 (4/19952 chromosomes in East Asian subpopulation (Genome Aggregation Database)), is higher than would generally be expected for pathogenic variants in this gene. Analysis of this variant using bioinformatics tools for the prediction of the effect of amino acid changes on protein structure and function yielded predictions that this variant is damaging. Based on the available information, we are unable to determine the clinical significance of this variant.

Department of Pathology and Laboratory Medicine, Sinai Health System
Classification: Likely benign for Hereditary diffuse gastric adenocarcinoma. Last evaluated: 2024-04-18. Review status: criteria provided, single submitter. Criteria: ACMG Guidelines, 2015. Collection method: clinical testing. Allele origin: germline. Affected: yes. Not counted in ClinVar's aggregate classification.

Color Diagnostics, LLC DBA Color Health
Classification: Uncertain significance for Hereditary cancer-predisposing syndrome. Last evaluated: 2023-12-12. Review status: criteria provided, single submitter. Criteria: ACMG Guidelines, 2015. Collection method: clinical testing. Allele origin: germline. Not counted in ClinVar's aggregate classification.
Comment: This missense variant replaces proline with leucine at codon 373 of the CDH1 protein. Computational prediction tool suggests that this variant may have deleterious impact on protein structure and function (internally defined REVEL score threshold >=0.7, PMID: 27666373). Functional studies have found the variant protein to be defective in suppressing cell motility (partial) and in cell invasion assays (PMID: 17434710, 19268661). This variant has been reported in individuals who have hereditary diffuse gastric cancer (HDGC)-associated disease, however, the majority of carriers do not have HDGC-associated disease (PMID: 17126523, 27276934, 28649662, 30311375). This variant also has been reported in individuals affected with pancreatic cancer and ovarian cancer (PMID: 28767289, 31815095). This variant has been identified in 8/282884 chromosomes in the general population by the Genome Aggregation Database (gnomAD). The available evidence is insufficient to determine the role of this variant in disease conclusively. Therefore, this variant is classified as a Variant of Uncertain Significance.

Mendelics
Classification: Benign for Hereditary diffuse gastric adenocarcinoma. Last evaluated: 2023-08-22. Review status: criteria provided, single submitter. Criteria: Mendelics Assertion Criteria 2019. Collection method: clinical testing. Allele origin: germline. Not counted in ClinVar's aggregate classification.

Laboratory of Molecular Epidemiology of Birth Defects, West China Second University Hospital, Sichuan University
Classification: Likely pathogenic for Ovarian cancer. Last evaluated: 2022-01-01. Review status: criteria provided, single submitter. Criteria: ACMG Guidelines, 2015. Collection method: clinical testing. Allele origin: germline. Affected: yes. Not counted in ClinVar's aggregate classification.

GeneDx
Classification: Uncertain significance. Last evaluated: 2021-10-14. Review status: criteria provided, single submitter. Criteria: GeneDx Variant Classification Process June 2021. Collection method: clinical testing. Allele origin: germline. Affected: yes. Not counted in ClinVar's aggregate classification.
Comment: In silico analysis supports that this missense variant has a deleterious effect on protein structure/function; Published functional studies demonstrate failure to produce compact cellular aggregates and increased invasion (Corso 2007, Mateus 2009); Observed in individuals with a personal or family history of breast, gastric, ovarian or pancreatic cancer (Roviello 2007, Bunnell 2017, Slavin 2017, Lee 2018, Manchana 2019) and in a family with blepharocheilodontic syndrome (Kievit 2018); This variant is associated with the following publications: (PMID: 17126523, 28767289, 28492532, 22225527, 20373070, 22098830, 19725995, 17545690, 24204729, 17434710, 19268661, 28649662, 27582386, 27276934, 29348693, 28580595, 31815095, 22850631, 15235021, 30982232, 30311375)

Ambry Genetics
Classification: Likely benign for Hereditary cancer-predisposing syndrome. Last evaluated: 2021-02-26. Review status: criteria provided, single submitter. Criteria: Ambry Variant Classification Scheme 2023. Collection method: clinical testing. Allele origin: germline. Not counted in ClinVar's aggregate classification.

Women's Health and Genetics/Laboratory Corporation of America, LabCorp
Classification: Uncertain significance. Last evaluated: 2017-12-26. Review status: criteria provided, single submitter. Criteria: LabCorp Variant Classification Summary - May 2015. Collection method: clinical testing. Allele origin: germline. Not counted in ClinVar's aggregate classification.
Comment: Variant summary: The CDH1 c.1118C>T (p.Pro373Leu) variant involves the alteration of a conserved nucleotide located in the Cadherin domain (InterPro). 4/4 in silico tools predict a damaging outcome for this variant (SNPsandGO not captured due to low reliability index). This variant was found in 7/277232 control chromosomes at a frequency of 0.0000252, which does not exceed the estimated maximal expected allele frequency of a pathogenic CDH1 variant (0.0000283). This variant has been reported in one patient with gastric cancer and this patient's unaffected brother. It is not found in this patient's daughter, who had ductal breast cancer (Roviello_2006). A subsequent report on the proband gastric tumor by the same authors showed no LOH or other somatic variants while demonstrating somatic CDH1 promoter hypermethylation suggesting a possible mechanism for the inactivation of wild-type E-cadherin allele in this proband. However, as the phase of this variant relative to the promoter hypermethylated allele in the tumor is not known, it cannot be weighted as a conclusive evidence supporting a deleterious role of this variant. This variant has also been reported in patients with BCR-ABL positive ALL, breast cancer, pancreatic ductal adenocarcinoma and lung cancer without strong evidence supporting causality (Zhang_2015, Bunnell_2016, Slavin_2017, Shindo_2017). In vitro functional studies have shown that this variant affects cell adhesion, cell invasion, activation of EGFR, p38 MAPK and Src kinase (Corso_2007, Mateus_2009). However, the extent of correlation of these functional assays with disease physiology is not clear. In addition, one recent study showed that this variant did not significantly affect cell migration (Petrova_2016). Lastly, multiple clinical diagnostic laboratories/reputable databases classified this variant as uncertain significance. Taken together, this variant is classified as VUS.

Literature cited by the submitters: PubMed 34537906 (cited by Quest Diagnostics Nichols Institute San Juan Capistrano); PubMed 38414029 (cited by Quest Diagnostics Nichols Institute San Juan Capistrano); PubMed 22225527 (cited by Quest Diagnostics Nichols Institute San Juan Capistrano); PubMed 30745422 (cited by Quest Diagnostics Nichols Institute San Juan Capistrano); PubMed 28767289 (cited by 5 submitters); PubMed 28649662 (cited by 4 submitters); PubMed 27276934 (cited by 5 submitters); PubMed 27582386 (cited by Quest Diagnostics Nichols Institute San Juan Capistrano and Women's Health and Genetics/Laboratory Corporation of America, LabCorp); PubMed 19268661 (cited by 4 submitters); PubMed 17434710 (cited by 3 submitters); PubMed 17126523 (cited by 3 submitters); PubMed 28580595 (cited by Quest Diagnostics Nichols Institute San Juan Capistrano and Department of Pathology and Laboratory Medicine, Sinai Health System); PubMed 31815095 (cited by 4 submitters); PubMed 30311375 (cited by Color Diagnostics, LLC DBA Color Health).